The following is an entry in ClinVar:

ClinVar aggregate classification (germline): Uncertain significance (1 of 4 stars; one submission).

Allele frequency attached by ClinVar (database versions not stated): gnomAD exomes 0.00001; TOPMed below 0.00001.
gnomAD v4.1: 3 of 1,613,736 alleles (0.00019%); highest among the groups gnomAD compares: Admixed American, 0.005%; no homozygotes.

Submission:

Labcorp Genetics (formerly Invitae), Labcorp
Classification: Uncertain significance. Last evaluated: 2022-08-09. Review status: criteria provided, single submitter. Criteria: Invitae Variant Classification Sherloc (09022015). Collection method: clinical testing. Allele origin: germline.
Comment: This sequence change replaces glutamine, which is neutral and polar, with histidine, which is basic and polar, at codon 591 of the ERCC3 protein (p.Gln591His). This variant is present in population databases (no rsID available, gnomAD 0.006%). This variant has not been reported in the literature in individuals affected with ERCC3-related conditions. ClinVar contains an entry for this variant (Variation ID: 1413833). Algorithms developed to predict the effect of missense changes on protein structure and function (SIFT, PolyPhen-2, Align-GVGD) all suggest that this variant is likely to be tolerated. In summary, the available evidence is currently insufficient to determine the role of this variant in disease. Therefore, it has been classified as a Variant of Uncertain Significance.

NM_000122.2(ERCC3):c.1773A>C (p.Gln591His)

Gene: ERCC3 (ERCC excision repair 3, TFIIH core complex helicase subunit; minus strand). Cytogenetic location: 2q14.3.
Variant type: single nucleotide variant.
Coding change: c.1773A>C on transcript NM_000122.2 (MANE Select); coding-DNA position 1773, A replaced by C.
Protein change: p.Gln591His; replaces glutamine 591 with histidine.
Molecular consequence: missense variant.
Genome position (GRCh38, 1-based): chr2:127,272,919, T>G on the plus strand (A>C on the coding strand, the complement: ERCC3 is on the minus strand). VCF-style: chr2-127272919-T-G. GRCh37 (hg19) VCF-style: chr2-128030495-T-G.
Other names: c.1581A>C, p.Gln527His (NM_001303416.2, NM_001303418.2); short protein forms Q591H, Q527H.
Identifiers: ClinVar variation 1413833 (VCV001413833.5), dbSNP rs1460059364, ClinGen allele CA348387828.
Genomic context (GRCh38, chr2:127,272,919, plus strand): 5'-ACAAACCTTGGATATGAAGATGGTGTTAATTTTGGGGTTGTGCTTGAAATTCTGGAGAAT[T>G]TGCATCCTTTCCCCCTGAGACGTAGGTCCGTAGATATAGGGTCTAGAGAAGAATGAAGCT-3'
Protein context (NP_000113.1, residues 581-601): YGPTSQGERM[Gln591His]ILQNFKHNPK